The following is an entry in ClinVar:

ClinVar aggregate classification (germline): Benign/Likely benign. Review status: criteria provided, multiple submitters, no conflicts (2 of 4 stars). 3 submissions from 3 submitters: Benign (2); Likely benign (1). Last evaluated 2022-03-01.

Allele frequency attached by ClinVar (database versions not stated): 1000 Genomes Project 30x 0.00109; 1000 Genomes Project 0.00140; ExAC 0.00231; gnomAD exomes 0.00232 and 0.00355; gnomAD 0.00283 and 0.00284; TOPMed 0.00335; ESP Exome Variant Server 0.00384.
gnomAD v4.1: 5,615 of 1,614,000 alleles (0.35%); highest among the groups gnomAD compares: Non-Finnish European, 0.43%; 9 homozygotes.

Submissions (3):

CeGaT Center for Human Genetics Tuebingen
Classification: Likely benign. Last evaluated: 2022-03-01. Review status: criteria provided, single submitter. Criteria: CeGaT Center For Human Genetics Tuebingen Variant Classification Criteria Version 2. Collection method: clinical testing. Allele origin: germline. Affected: yes. Observed: 1 variant allele.
Comment: UTP20: BP4, BP7

Labcorp Genetics (formerly Invitae), Labcorp
Classification: Benign. Last evaluated: 2018-08-02. Review status: criteria provided, single submitter. Criteria: Invitae Variant Classification Sherloc (09022015). Collection method: clinical testing. Allele origin: germline.

Breakthrough Genomics
Classification: Benign. Review status: criteria provided, single submitter. Criteria: ACMG Guidelines, 2015. Collection method: not provided. Allele origin: germline. Inheritance: Unknown mechanism. Affected: yes.

NM_014503.3(UTP20):c.7797G>A (p.Ala2599=)

Gene: UTP20 (UTP20 small subunit processome component; plus strand). Cytogenetic location: 12q23.2.
Variant type: single nucleotide variant.
Coding change: c.7797G>A on transcript NM_014503.3 (MANE Select); coding-DNA position 7797, G replaced by A.
Protein change: p.Ala2599=; no amino-acid change (alanine 2599 retained).
Molecular consequence: synonymous variant.
Genome position (GRCh38, 1-based): chr12:101,383,181, G>A. VCF-style: chr12-101383181-G-A. GRCh37 (hg19) VCF-style: chr12-101776959-G-A.
Identifiers: ClinVar variation 721189 (VCV000721189.28), dbSNP rs138484923, ClinGen allele CA6743788.